The following is an entry in ClinVar:

NM_177438.3(DICER1):c.1892T>C (p.Ile631Thr)

Gene: DICER1 (dicer 1, ribonuclease III; minus strand). Cytogenetic location: 14q32.13.
Variant type: single nucleotide variant.
Coding change: c.1892T>C on transcript NM_177438.3 (MANE Select); coding-DNA position 1892, T replaced by C.
Protein change: p.Ile631Thr; replaces isoleucine 631 with threonine.
Molecular consequence: missense variant. On other transcripts: non-coding transcript variant (6).
Genome position (GRCh38, 1-based): chr14:95,115,682, A>G on the plus strand (T>C on the coding strand, the complement: DICER1 is on the minus strand). VCF-style: chr14-95115682-A-G. GRCh37 (hg19) VCF-style: chr14-95582019-A-G.
Other names: c.1892T>C, p.Ile631Thr (NM_001395683.1, NM_001395684.1, NM_001395692.1 and 13 more transcripts); c.1610T>C, p.Ile537Thr (NM_001395686.1); c.1487T>C, p.Ile496Thr (NM_001395687.1, NM_001395688.1, NM_001395689.1 and 3 more transcripts); c.1325T>C, p.Ile442Thr (NM_001395691.1); c.209T>C, p.Ile70Thr (NM_001395697.1); short protein forms I442T, I496T, I70T, I631T, I537T.
Identifiers: ClinVar variation 2726950 (VCV002726950.4), dbSNP rs2543001905, ClinGen allele CA390883910.

ClinVar aggregate classification (germline): Uncertain significance. Review status: criteria provided, multiple submitters, no conflicts (2 of 4 stars). 2 submissions from 2 submitters: Uncertain significance (2). Last evaluated 2025-10-10.

Conditions:
Hereditary cancer-predisposing syndrome. Also called: Hereditary neoplastic syndrome; Hereditary Cancer Syndrome; Neoplastic Syndromes, Hereditary; Tumor predisposition. Identifiers: Orphanet 140162, MedGen C0027672, MeSH D009386, MONDO:0015356.
DICER1-related tumor predisposition. Also called: DICER1-related pleuropulmonary blastoma cancer predisposition syndrome; DICER1 syndrome. Identifiers: Orphanet 284343, MedGen C3839822, MONDO:0100216.

Allele frequency attached by ClinVar (database versions not stated): gnomAD exomes below 0.00001.
gnomAD v4.1: 2 of 1,614,134 alleles (0.00012%); highest among the groups gnomAD compares: Non-Finnish European, 0.00017%; no homozygotes.

Submissions (2):

Labcorp Genetics (formerly Invitae), Labcorp
Classification: Uncertain significance for DICER1-related tumor predisposition. Last evaluated: 2025-10-10. Review status: criteria provided, single submitter. Criteria: Invitae Variant Classification Sherloc (09022015). Collection method: clinical testing. Allele origin: germline.
Comment: This sequence change replaces isoleucine, which is neutral and non-polar, with threonine, which is neutral and polar, at codon 631 of the DICER1 protein (p.Ile631Thr). This variant is not present in population databases (gnomAD no frequency). This variant has not been reported in the literature in individuals affected with DICER1-related conditions. ClinVar contains an entry for this variant (Variation ID: 2726950). Invitae Evidence Modeling of protein sequence and biophysical properties (such as structural, functional, and spatial information, amino acid conservation, physicochemical variation, residue mobility, and thermodynamic stability) has been performed for this missense variant. However, the output from this modeling did not meet the statistical confidence thresholds required to predict the impact of this variant on DICER1 protein function. In summary, the available evidence is currently insufficient to determine the role of this variant in disease. Therefore, it has been classified as a Variant of Uncertain Significance.

Ambry Genetics
Classification: Uncertain significance for Hereditary cancer-predisposing syndrome. Last evaluated: 2024-09-25. Review status: criteria provided, single submitter. Criteria: Ambry Variant Classification Scheme 2023. Collection method: clinical testing. Allele origin: germline.
Comment: The p.I631T variant (also known as c.1892T>C), located in coding exon 10 of the DICER1 gene, results from a T to C substitution at nucleotide position 1892. The isoleucine at codon 631 is replaced by threonine, an amino acid with similar properties. This amino acid position is conserved. In addition, this alteration is predicted to be deleterious by in silico analysis. Based on the available evidence, the clinical significance of this variant remains unclear.